The following is an entry in ClinVar:

NM_022455.5(NSD1):c.1132del (p.Val378fs)

Gene: NSD1 (nuclear receptor binding SET domain protein 1; plus strand). Cytogenetic location: 5q35.3.
Variant type: Deletion.
Coding change: c.1132del on transcript NM_022455.5 (MANE Select); coding-DNA position 1132, one base deleted (G; older notation c.1132delG).
Protein change: p.Val378fs; shifts the reading frame from valine 378.
Molecular consequence: frameshift variant.
Genome position (GRCh38, 1-based): chr5:177,204,188, G deleted; the last of 3 consecutive G bases (chr5:177,204,186-177,204,188); deleting any one gives the same sequence. VCF-style (leftmost placement, unchanged base first): chr5-177204185-TG-T. GRCh37 (hg19) VCF-style: chr5-176631186-TG-T.
Other names: c.259del, p.Val87fs (NM_172349.5, NM_001365684.2, NM_001409306.1 and 3 more transcripts); c.1132del, p.Val378fs (NM_001409301.1, NM_001409302.1, NM_001409303.1); c.712del, p.Val238fs (NM_001409304.1); c.379del, p.Val127fs (NM_001409305.1); short protein forms V238fs, V127fs, V378fs, V87fs.
Identifiers: ClinVar variation 3656637 (VCV003656637.2).

ClinVar aggregate classification (germline): Pathogenic (1 of 4 stars; one submission).

Submission:

Labcorp Genetics (formerly Invitae), Labcorp
Classification: Pathogenic. Last evaluated: 2024-06-13. Review status: criteria provided, single submitter. Criteria: Invitae Variant Classification Sherloc (09022015). Collection method: clinical testing. Allele origin: germline.
Comment: This sequence change creates a premature translational stop signal (p.Val378Trpfs*41) in the NSD1 gene. It is expected to result in an absent or disrupted protein product. Loss-of-function variants in NSD1 are known to be pathogenic (PMID: 12464997, 14571271, 15942875, 16247291). This variant is not present in population databases (gnomAD no frequency). This variant has not been reported in the literature in individuals affected with NSD1-related conditions. For these reasons, this variant has been classified as Pathogenic.

Literature cited by the submitters: PubMed 12464997; PubMed 14571271; PubMed 15942875; PubMed 16247291.